The following is an entry in ClinVar:

ClinVar aggregate classification (germline): Pathogenic (1 of 4 stars; one submission).

Submission:

Labcorp Genetics (formerly Invitae), Labcorp
Classification: Pathogenic. Last evaluated: 2022-11-01. Review status: criteria provided, single submitter. Criteria: Invitae Variant Classification Sherloc (09022015). Collection method: clinical testing. Allele origin: germline.
Comment: This sequence change creates a premature translational stop signal (p.Ser1893*) in the USH2A gene. It is expected to result in an absent or disrupted protein product. Loss-of-function variants in USH2A are known to be pathogenic (PMID: 10729113, 10909849, 20507924, 25649381). This variant is not present in population databases (gnomAD no frequency). This variant has not been reported in the literature in individuals affected with USH2A-related conditions. ClinVar contains an entry for this variant (Variation ID: 951232). For these reasons, this variant has been classified as Pathogenic.

Literature cited by the submitters: PubMed 10729113; PubMed 10909849; PubMed 20507924; PubMed 25649381.

NM_206933.4(USH2A):c.5678C>G (p.Ser1893Ter)

Genes: USH2A (usherin; minus strand), USH2A-AS2 (USH2A antisense RNA 2; plus strand). Cytogenetic location: 1q41.
Variant type: single nucleotide variant.
Coding change: c.5678C>G on transcript NM_206933.4 (MANE Select); coding-DNA position 5678, C replaced by G.
Protein change: p.Ser1893Ter; replaces serine 1893 with a stop codon.
Molecular consequence: nonsense.
Genome position (GRCh38, 1-based): chr1:216,073,195, G>C on the plus strand (C>G on the coding strand, the complement: USH2A is on the minus strand). VCF-style: chr1-216073195-G-C. GRCh37 (hg19) VCF-style: chr1-216246537-G-C.
Other names: short protein forms S1893*.
Identifiers: ClinVar variation 951232 (VCV000951232.7), dbSNP rs2031620246, ClinGen allele CA344854434.